The following is an entry in ClinVar:

ClinVar aggregate classification (germline): Uncertain significance (1 of 4 stars; one submission).

Submission:

GeneDx
Classification: Uncertain significance. Last evaluated: 2024-03-30. Review status: criteria provided, single submitter. Criteria: GeneDx Variant Classification Process June 2021. Collection method: clinical testing. Allele origin: germline. Affected: yes.
Comment: Not observed at significant frequency in large population cohorts (gnomAD); In silico analysis supports that this missense variant has a deleterious effect on protein structure/function; Missense variants in this gene are a common cause of disease and they are underrepresented in the general population; Has not been previously published as pathogenic or benign to our knowledge; This variant is associated with the following publications: (PMID: 20829227)

NM_006086.4(TUBB3):c.466C>T (p.Arg156Cys)

Gene: TUBB3 (tubulin beta 3 class III; plus strand). Cytogenetic location: 16q24.3.
Variant type: single nucleotide variant.
Coding change: c.466C>T on transcript NM_006086.4 (MANE Select); coding-DNA position 466, C replaced by T.
Protein change: p.Arg156Cys; replaces arginine 156 with cysteine.
Molecular consequence: missense variant.
Genome position (GRCh38, 1-based): chr16:89,934,917, C>T. VCF-style: chr16-89934917-C-T. GRCh37 (hg19) VCF-style: chr16-90001325-C-T.
Other names: c.250C>T, p.Arg84Cys (NM_001197181.2); short protein forms R156C, R84C.
Identifiers: ClinVar variation 3371406 (VCV003371406.1).